The following is an entry in ClinVar:

ClinVar aggregate classification (germline): Uncertain significance (1 of 4 stars; one submission).

Conditions:
Dilated cardiomyopathy 1G (CMD1G). Identifiers: Orphanet 154, MedGen C1858763, MONDO:0011400, OMIM 604145.
Autosomal recessive limb-girdle muscular dystrophy type 2J (LGMDR10). Also called: Limb-girdle muscular dystrophy, type 2J; MUSCULAR DYSTROPHY, LIMB-GIRDLE, AUTOSOMAL RECESSIVE 10. Identifiers: Orphanet 140922, MedGen C1837342, MONDO:0012127, OMIM 608807.

Submission:

Labcorp Genetics (formerly Invitae), Labcorp
Classification: Uncertain significance for Dilated cardiomyopathy 1G; Autosomal recessive limb-girdle muscular dystrophy type 2J. Last evaluated: 2023-11-18. Review status: criteria provided, single submitter. Criteria: Invitae Variant Classification Sherloc (09022015). Collection method: clinical testing. Allele origin: germline.
Comment: This sequence change replaces glycine, which is neutral and non-polar, with valine, which is neutral and non-polar, at codon 34122 of the TTN protein (p.Gly34122Val). This variant is not present in population databases (gnomAD no frequency). This variant has not been reported in the literature in individuals affected with TTN-related conditions. Experimental studies and prediction algorithms are not available or were not evaluated, and the functional significance of this variant is currently unknown. This variant is located in the M band of TTN (PMID: 25589632). Variants in this region may be relevant for neuromuscular disorders, but have not been definitively shown to cause cardiomyopathy (PMID: 23975875). In summary, the available evidence is currently insufficient to determine the role of this variant in disease. Therefore, it has been classified as a Variant of Uncertain Significance.

Literature cited by the submitters: PubMed 25589632; PubMed 23975875.

NM_001267550.2(TTN):c.102365G>T (p.Gly34122Val)

Genes: TTN (titin; minus strand), TTN-AS1 (TTN antisense RNA 1; plus strand). Cytogenetic location: 2q31.2.
Variant type: single nucleotide variant.
Coding change: c.102365G>T on transcript NM_001267550.2 (MANE Select); coding-DNA position 102365, G replaced by T.
Protein change: p.Gly34122Val; replaces glycine 34122 with valine.
Molecular consequence: missense variant.
Genome position (GRCh38, 1-based): chr2:178,534,250, C>A on the plus strand (G>T on the coding strand, the complement: TTN is on the minus strand). VCF-style: chr2-178534250-C-A. GRCh37 (hg19) VCF-style: chr2-179398977-C-A.
Other names: c.97442G>T, p.Gly32481Val (NM_001256850.1); c.75170G>T, p.Gly25057Val (NM_003319.4); c.94661G>T, p.Gly31554Val (NM_133378.4); c.75545G>T, p.Gly25182Val (NM_133432.3); c.75746G>T, p.Gly25249Val (NM_133437.4); short protein forms G25249V, G31554V, G25182V, G32481V, G34122V, G25057V.
Identifiers: ClinVar variation 2938098 (VCV002938098.3), dbSNP rs2468528010, ClinGen allele CA349417795.